The following is an entry in ClinVar:

NM_000350.3(ABCA4):c.6142G>A (p.Glu2048Lys)

Gene: ABCA4 (ATP binding cassette subfamily A member 4; minus strand). Cytogenetic location: 1p22.1.
Variant type: single nucleotide variant.
Coding change: c.6142G>A on transcript NM_000350.3 (MANE Select); coding-DNA position 6142, G replaced by A.
Protein change: p.Glu2048Lys; replaces glutamic acid 2048 with lysine.
Molecular consequence: missense variant.
Genome position (GRCh38, 1-based): chr1:94,005,446, C>T on the plus strand (G>A on the coding strand, the complement: ABCA4 is on the minus strand). VCF-style: chr1-94005446-C-T. GRCh37 (hg19) VCF-style: chr1-94471002-C-T.
Other names: c.5920G>A, p.Glu1974Lys (NM_001425324.1); short protein forms E2048K, E1974K.
Identifiers: ClinVar variation 2119626 (VCV002119626.1), dbSNP rs755513058, ClinGen allele CA957022.

ClinVar aggregate classification (germline): Uncertain significance (1 of 4 stars; one submission).

Allele frequency attached by ClinVar (database versions not stated): ExAC 0.00002; gnomAD 0.00001; TOPMed 0.00001.
gnomAD v4.1: 8 of 1,613,920 alleles (0.0005%); highest among the groups gnomAD compares: Middle Eastern, 0.016%; no homozygotes.

Submission:

Labcorp Genetics (formerly Invitae), Labcorp
Classification: Uncertain significance. Last evaluated: 2022-03-29. Review status: criteria provided, single submitter. Criteria: Invitae Variant Classification Sherloc (09022015). Collection method: clinical testing. Allele origin: germline.
Comment: This sequence change replaces glutamic acid, which is acidic and polar, with lysine, which is basic and polar, at codon 2048 of the ABCA4 protein (p.Glu2048Lys). This variant is present in population databases (rs755513058, gnomAD 0.004%). This variant has not been reported in the literature in individuals affected with ABCA4-related conditions. Advanced modeling of protein sequence and biophysical properties (such as structural, functional, and spatial information, amino acid conservation, physicochemical variation, residue mobility, and thermodynamic stability) performed at Invitae indicates that this missense variant is not expected to disrupt ABCA4 protein function. In summary, the available evidence is currently insufficient to determine the role of this variant in disease. Therefore, it has been classified as a Variant of Uncertain Significance.